The following is an entry in ClinVar:

ClinVar aggregate classification (germline): Uncertain significance (1 of 4 stars; one submission).

Conditions:
HTR2C-related disorder. Also called: HTR2C-related condition.

gnomAD v4.1: 14 of 1,211,378 alleles (0.0012%); highest among the groups gnomAD compares: Non-Finnish European, 0.0016%; no homozygotes.

Submission:

PreventionGenetics, part of Exact Sciences
Classification: Uncertain significance for HTR2C-related condition. Last evaluated: 2025-09-10. Review status: criteria provided, single submitter. Criteria: ACMG Guidelines, 2015. Collection method: clinical testing. Allele origin: germline.
Comment: The HTR2C c.1085G>C variant is predicted to result in the amino acid substitution p.Gly362Ala. To our knowledge, this variant has not been reported in the literature or in a large population database (gnomAD), indicating this variant is rare. At this time, the clinical significance of this variant is uncertain due to the absence of conclusive functional and genetic evidence.

NM_000868.4(HTR2C):c.1085G>C (p.Gly362Ala)

Genes: HTR2C (5-hydroxytryptamine receptor 2C; plus strand), LOC126863306 (MED14-independent group 3 enhancer GRCh37_chrX:114140926-114142125; plus strand). Cytogenetic location: Xq23.
Variant type: single nucleotide variant.
Coding change: c.1085G>C on transcript NM_000868.4 (MANE Select); coding-DNA position 1085, G replaced by C.
Protein change: p.Gly362Ala; replaces glycine 362 with alanine.
Molecular consequence: missense variant. On other transcripts: 3 prime UTR variant (1).
Genome position (GRCh38, 1-based): chrX:114,907,123, G>C. VCF-style: chrX-114907123-G-C. GRCh37 (hg19) VCF-style: chrX-114141686-G-C.
Other names: c.1085G>C, p.Gly362Ala (NM_001256760.3); c.*243G>C (NM_001256761.3); short protein forms G362A.
Identifiers: ClinVar variation 3346436 (VCV003346436.2).